The following is an entry in ClinVar:

NM_002439.5(MSH3):c.472G>A (p.Glu158Lys)

Gene: MSH3 (mutS homolog 3; plus strand). Cytogenetic location: 5q14.1.
Variant type: single nucleotide variant.
Coding change: c.472G>A on transcript NM_002439.5 (MANE Select); coding-DNA position 472, G replaced by A.
Protein change: p.Glu158Lys; replaces glutamic acid 158 with lysine.
Molecular consequence: missense variant.
Genome position (GRCh38, 1-based): chr5:80,665,256, G>A. VCF-style: chr5-80665256-G-A. GRCh37 (hg19) VCF-style: chr5-79961075-G-A.
Other names: short protein forms E158K.
Identifiers: ClinVar variation 1408717 (VCV001408717.6), dbSNP rs1580546683, ClinGen allele CA360263670.

ClinVar aggregate classification (germline): Uncertain significance (1 of 4 stars; one submission).

Allele frequency attached by ClinVar (database versions not stated): gnomAD exomes below 0.00001.
gnomAD v4.1: 1 of 1,613,386 alleles (0.000062%); highest among the groups gnomAD compares: South Asian, 0.0011%; no homozygotes.

Submission:

Labcorp Genetics (formerly Invitae), Labcorp
Classification: Uncertain significance. Last evaluated: 2021-10-07. Review status: criteria provided, single submitter. Criteria: Invitae Variant Classification Sherloc (09022015). Collection method: clinical testing. Allele origin: germline.
Comment: In summary, the available evidence is currently insufficient to determine the role of this variant in disease. Therefore, it has been classified as a Variant of Uncertain Significance. Algorithms developed to predict the effect of missense changes on protein structure and function output the following: SIFT: "Tolerated"; PolyPhen-2: "Benign"; Align-GVGD: "Class C0". The lysine amino acid residue is found in multiple mammalian species, which suggests that this missense change does not adversely affect protein function. This variant has not been reported in the literature in individuals affected with MSH3-related conditions. This variant is not present in population databases (ExAC no frequency). This sequence change replaces glutamic acid with lysine at codon 158 of the MSH3 protein (p.Glu158Lys). The glutamic acid residue is moderately conserved and there is a small physicochemical difference between glutamic acid and lysine.